The following is an entry in ClinVar:

NM_020070.4(IGLL1):c.560G>A (p.Arg187Lys)

Gene: IGLL1 (immunoglobulin lambda like polypeptide 1; minus strand). Cytogenetic location: 22q11.23.
Variant type: single nucleotide variant.
Coding change: c.560G>A on transcript NM_020070.4 (MANE Select); coding-DNA position 560, G replaced by A.
Protein change: p.Arg187Lys; replaces arginine 187 with lysine.
Molecular consequence: missense variant. On other transcripts: 3 prime UTR variant (1).
Genome position (GRCh38, 1-based): chr22:23,573,348, C>T on the plus strand (G>A on the coding strand, the complement: IGLL1 is on the minus strand). VCF-style: chr22-23573348-C-T. GRCh37 (hg19) VCF-style: chr22-23915535-C-T.
Other names: c.563G>A, p.Arg188Lys (NM_001369906.1); c.*189G>A (NM_152855.3); short protein forms R188K, R187K.
Identifiers: ClinVar variation 2192035 (VCV002192035.4), dbSNP rs553132705, ClinGen allele CA10143227.

ClinVar aggregate classification (germline): Uncertain significance (1 of 4 stars; one submission).

Conditions:
Agammaglobulinemia 2, autosomal recessive (AGM2). Also called: AGAMMAGLOBULINEMIA, AUTOSOMAL RECESSIVE, DUE TO IGLL1 DEFECT. Identifiers: MedGen C3150750, MONDO:0013287, OMIM 613500.

Allele frequency attached by ClinVar (database versions not stated): gnomAD 0.00002; TOPMed 0.00002.
gnomAD v4.1: 35 of 1,614,012 alleles (0.0022%); highest among the groups gnomAD compares: East Asian, 0.0067%; no homozygotes.

Submission:

Labcorp Genetics (formerly Invitae), Labcorp
Classification: Uncertain significance for Agammaglobulinemia 2, autosomal recessive. Last evaluated: 2025-11-15. Review status: criteria provided, single submitter. Criteria: Invitae Variant Classification Sherloc (09022015). Collection method: clinical testing. Allele origin: germline.
Comment: This sequence change replaces arginine, which is basic and polar, with lysine, which is basic and polar, at codon 187 of the IGLL1 protein (p.Arg187Lys). This variant is present in population databases (rs553132705, gnomAD 0.008%). This missense change has been observed in individual(s) with primary immunodeficiency (PMID: 25502423). ClinVar contains an entry for this variant (Variation ID: 2192035). An algorithm developed to predict the effect of missense changes on protein structure and function outputs the following: PolyPhen-2: "Benign". The lysine amino acid residue is found in multiple mammalian species, which suggests that this missense change does not adversely affect protein function. In summary, the available evidence is currently insufficient to determine the role of this variant in disease. Therefore, it has been classified as a Variant of Uncertain Significance.

Literature cited by the submitters: PubMed 25502423.